The following is an entry in ClinVar:

NM_006019.4(TCIRG1):c.1306-8C>T

Gene: TCIRG1 (T cell immune regulator 1, ATPase H+ transporting V0 subunit a3; plus strand). Cytogenetic location: 11q13.2.
Variant type: single nucleotide variant.
Coding change: c.1306-8C>T on transcript NM_006019.4 (MANE Select); 8 bases into the intron before coding-DNA position 1306, C replaced by T.
Molecular consequence: intron variant.
Genome position (GRCh38, 1-based): chr11:68,047,639, C>T. VCF-style: chr11-68047639-C-T. GRCh37 (hg19) VCF-style: chr11-67815106-C-T.
Other names: c.412-8C>T (NM_001351059.2); c.658-8C>T (NM_006053.4).
Identifiers: ClinVar variation 728915 (VCV000728915.36), dbSNP rs188598855, ClinGen allele CA6147070.

ClinVar aggregate classification (germline): Likely benign. Review status: criteria provided, multiple submitters, no conflicts (2 of 4 stars). 4 submissions from 4 submitters: Likely benign (4). Last evaluated 2025-12-14.

Allele frequency attached by ClinVar (database versions not stated): ExAC 0.00019; TOPMed 0.00019; gnomAD exomes 0.00023; gnomAD 0.00024; 1000 Genomes Project 0.00040; 1000 Genomes Project 30x 0.00047.
gnomAD v4.1: 310 of 1,613,194 alleles (0.019%); highest among the groups gnomAD compares: Admixed American, 0.058%; 2 homozygotes.

Submissions (4):

Labcorp Genetics (formerly Invitae), Labcorp
Classification: Likely benign. Last evaluated: 2025-12-14. Review status: criteria provided, single submitter. Criteria: Invitae Variant Classification Sherloc (09022015). Collection method: clinical testing. Allele origin: germline.

Blueprint Genetics
Classification: Likely benign. Last evaluated: 2024-11-21. Review status: criteria provided, single submitter. Criteria: ACMG Guidelines, 2015. Collection method: clinical testing. Allele origin: germline.

CeGaT Center for Human Genetics Tuebingen
Classification: Likely benign. Last evaluated: 2023-05-01. Review status: criteria provided, single submitter. Criteria: CeGaT Center For Human Genetics Tuebingen Variant Classification Criteria Version 2. Collection method: clinical testing. Allele origin: germline. Affected: yes. Observed: 1 variant allele.
Comment: TCIRG1: PM2, BP4, BS2

Breakthrough Genomics
Classification: Likely benign. Review status: criteria provided, single submitter. Criteria: ACMG Guidelines, 2015. Collection method: not provided. Allele origin: germline. Inheritance: Autosomal recessive inheritance. Affected: yes.